The following is an entry in ClinVar:

NC_012920.1(MT-TF):m.611G>A

Gene: MT-TF (mitochondrially encoded tRNA phenylalanine; plus strand).
Variant type: single nucleotide variant.
Genome position: chrM-611-G-A.
Other names: G611A; 611G-A.
Identifiers: ClinVar variation 9574 (VCV000009574.3), dbSNP rs118203886, ClinGen allele CA340924.
Genomic context (GRCh38, chrMT:611, plus strand): 5'-ACCAAACCCCAAAGACACCCCCCACAGTTTATGTAGCTTACCTCCTCAAAGCAATACACT[G>A]AAAATGTTTAGACGGGCTCACATCACCCCATAAACAAATAGGTTTGGTCCTAGCCTTTCT-3'

ClinVar aggregate classification (germline): Uncertain significance. Review status: reviewed by expert panel (3 of 4 stars). 3 submissions from 3 submitters: Uncertain significance (1). 2 of the submissions do not count toward it. Last evaluated 2024-06-10.

Conditions:
Mitochondrial disease. Also called: Mitochondrial disorder; Mitochondrial disorders. Identifiers: Orphanet 68380, MedGen C0751651, MeSH D028361, MONDO:0044970.
MERRF syndrome (MERRF). Also called: Myoclonus with epilepsy with ragged red fibers; Myoencephalopathy ragged-red fiber disease; MYOCLONIC EPILEPSY ASSOCIATED WITH RAGGED-RED FIBERS. Identifiers: Orphanet 551, MedGen C0162672, MONDO:0010790, OMIM 545000.

Submissions (3):

ClinGen Mitochondrial Disease Nuclear and Mitochondrial  Variant Curation Expert Panel, ClinGen
Classification: Uncertain significance for Mitochondrial disease. Last evaluated: 2024-06-10. Review status: reviewed by expert panel. Criteria: clingen mito disease acmg specifications v1-1. Collection method: curation. Allele origin: germline. Inheritance: Mitochondrial inheritance.
Comment: The m.611G>A variant in MT-TF has been reported in one individual with primary mitochondrial disease (PMID: 15184630). This individual had a clinical diagnosis of myoclonic epilepsy with ragged red fibers (MERRF) characterized by progressive myoclonus, migraines, exercise intolerance, imbalance, memory impairment, progressive sensorineural hearing loss, restricted upgaze, and short stature. Muscle biopsy showed ragged red and COX-deficient fibers. The variant was present at 91% in skeletal muscle and was undetectable in blood, buccal cells, and urinary sediment. This variant is absent in the GenBank dataset, Helix dataset, and gnomAD v3.1.2 (PM2_supporting). MitoTIP predicts the variant is possibly pathogenic (51.2 percentile) and HmtVAR predicts the variant is pathogenic (score of 0.85, PP3). Single fiber testing showed higher levels of the variant in COX-negative ragged red fibers (93.3 ± 4%, n=10) than in COX-positive non-ragged red fibers (17.4 ± 7.3%, n=10, PMID: 15184630). Furthermore, additional functional studies showed a decrease in aminoacylation activity compared to wild type (PMID: 17878308; PS3_moderate). In summary, this variant meets criteria to be classified as uncertain significance for primary mitochondrial disease inherited in a mitochondrial manner. This classification was approved by the NICHD/NINDS U24 ClinGen Mitochondrial Disease Variant Curation Expert Panel on June 10, 2024. Mitochondrial DNA-specific ACMG/AMP criteria applied (PMID: 32906214): PM2_supporting, PP3, PS3_moderate.

OMIM
Classification: Pathogenic for MERRF SYNDROME. Last evaluated: 2007-09-25. Review status: no assertion criteria provided. Collection method: literature only. Allele origin: germline. Not counted in ClinVar's aggregate classification.

GeneReviews
No classification provided. Condition: MERRF syndrome. Review status: no classification provided. Collection method: literature only. Allele origin: germline. Affected: yes. Not counted in ClinVar's aggregate classification.

Literature cited by the submitters: PubMed 15184630 (cited by 3 submitters); PubMed 17878308 (cited by ClinGen Mitochondrial Disease Nuclear and Mitochondrial  Variant Curation Expert Panel, ClinGen and OMIM); NCBI Bookshelf NBK1520 (cited by GeneReviews).